The following is an entry in ClinVar:

NM_000264.5(PTCH1):c.3902A>C (p.Gln1301Pro)

Gene: PTCH1 (patched 1; minus strand). Cytogenetic location: 9q22.32.
Variant type: single nucleotide variant.
Coding change: c.3902A>C on transcript NM_000264.5 (MANE Select); coding-DNA position 3902, A replaced by C.
Protein change: p.Gln1301Pro; replaces glutamine 1301 with proline.
Molecular consequence: missense variant. On other transcripts: non-coding transcript variant (1).
Genome position (GRCh38, 1-based): chr9:95,447,354, T>G on the plus strand (A>C on the coding strand, the complement: PTCH1 is on the minus strand). VCF-style: chr9-95447354-T-G. GRCh37 (hg19) VCF-style: chr9-98209636-T-G.
Other names: c.3704A>C, p.Gln1235Pro (NM_001083602.3); c.3899A>C, p.Gln1300Pro (NM_001083603.3); c.3449A>C, p.Gln1150Pro (NM_001083604.3, NM_001083605.3, NM_001083606.3 and 1 more transcripts); c.3746A>C, p.Gln1249Pro (NM_001354918.2); short protein forms Q1249P, Q1300P, Q1150P, Q1235P, Q1301P.
Identifiers: ClinVar variation 1736030 (VCV001736030.2), dbSNP rs2136582527, ClinGen allele CA374110693.

ClinVar aggregate classification (germline): Uncertain significance (1 of 4 stars; one submission).

Conditions:
Hereditary cancer-predisposing syndrome. Also called: Neoplastic Syndromes, Hereditary; Tumor predisposition; Hereditary Cancer Syndrome; Hereditary neoplastic syndrome. Identifiers: Orphanet 140162, MedGen C0027672, MeSH D009386, MONDO:0015356.

Submission:

Ambry Genetics
Classification: Uncertain significance for Hereditary cancer-predisposing syndrome. Last evaluated: 2022-04-28. Review status: criteria provided, single submitter. Criteria: Ambry Variant Classification Scheme 2023. Collection method: clinical testing. Allele origin: germline.
Comment: The p.Q1301P variant (also known as c.3902A>C), located in coding exon 23 of the PTCH1 gene, results from an A to C substitution at nucleotide position 3902. The glutamine at codon 1301 is replaced by proline, an amino acid with similar properties. This amino acid position is conserved. In addition, this alteration is predicted to be tolerated by in silico analysis. Since supporting evidence is limited at this time, the clinical significance of this alteration remains unclear.